The following is an entry in ClinVar:

NM_000426.4(LAMA2):c.8728G>C (p.Val2910Leu)

Gene: LAMA2 (laminin subunit alpha 2; plus strand). Cytogenetic location: 6q22.33.
Variant type: single nucleotide variant.
Coding change: c.8728G>C on transcript NM_000426.4 (MANE Select); coding-DNA position 8728, G replaced by C.
Protein change: p.Val2910Leu; replaces valine 2910 with leucine.
Molecular consequence: missense variant.
Genome position (GRCh38, 1-based): chr6:129,507,513, G>C. VCF-style: chr6-129507513-G-C. GRCh37 (hg19) VCF-style: chr6-129828658-G-C.
Other names: c.8716G>C, p.Val2906Leu (NM_001079823.2); short protein forms V2910L, V2906L.
Identifiers: ClinVar variation 1444384 (VCV001444384.5), dbSNP rs141479751, ClinGen allele CA365635487.
Genomic context (GRCh38, chr6:129,507,513, plus strand): 5'-AACCTGACATTTGTTTCTTCTGATCTGAATGTTTAGGTGACCTATAGCATTGATGGCTGC[G>C]TCAGGAATCTCCACATGGCAGAGGCCCCTGCCGATCTGGAACAACCCACCTCCAGCTTCC-3'
Protein context (NP_000417.3, residues 2900-2920): GPVTYSIDGC[Val2910Leu]RNLHMAEAPA

ClinVar aggregate classification (germline): Uncertain significance (1 of 4 stars; one submission).

Conditions:
LAMA2-related muscular dystrophy (LAMA2-RD). Also called: Laminin alpha 2-related dystrophy. Identifiers: MedGen C5679788, MONDO:0100228.

gnomAD v4.1: 8 of 1,614,020 alleles (0.0005%); highest among the groups gnomAD compares: Admixed American, 0.01%; no homozygotes.

Submission:

Labcorp Genetics (formerly Invitae), Labcorp
Classification: Uncertain significance for LAMA2-related muscular dystrophy. Last evaluated: 2022-05-27. Review status: criteria provided, single submitter. Criteria: Invitae Variant Classification Sherloc (09022015). Collection method: clinical testing. Allele origin: germline.
Comment: This sequence change replaces valine, which is neutral and non-polar, with leucine, which is neutral and non-polar, at codon 2910 of the LAMA2 protein (p.Val2910Leu). This variant is present in population databases (no rsID available, gnomAD 0.003%). This variant has not been reported in the literature in individuals affected with LAMA2-related conditions. Advanced modeling of protein sequence and biophysical properties (such as structural, functional, and spatial information, amino acid conservation, physicochemical variation, residue mobility, and thermodynamic stability) performed at Invitae indicates that this missense variant is not expected to disrupt LAMA2 protein function. In summary, the available evidence is currently insufficient to determine the role of this variant in disease. Therefore, it has been classified as a Variant of Uncertain Significance.